The following is an entry in ClinVar:

ClinVar aggregate classification (germline): Pathogenic (1 of 4 stars; one submission).

Submission:

Labcorp Genetics (formerly Invitae), Labcorp
Classification: Pathogenic. Last evaluated: 2024-12-05. Review status: criteria provided, single submitter. Criteria: Invitae Variant Classification Sherloc (09022015). Collection method: clinical testing. Allele origin: germline.
Comment: This sequence change creates a premature translational stop signal (p.Glu1378Glyfs*30) in the DUOX2 gene. It is expected to result in an absent or disrupted protein product. Loss-of-function variants in DUOX2 are known to be pathogenic (PMID: 12110737, 18765513, 21565790, 24423310, 24735383). This variant is not present in population databases (gnomAD no frequency). This variant has not been reported in the literature in individuals affected with DUOX2-related conditions. For these reasons, this variant has been classified as Pathogenic.

Literature cited by the submitters: PubMed 12110737; PubMed 18765513; PubMed 21565790; PubMed 24423310; PubMed 24735383.

NM_001363711.2(DUOX2):c.4133_4146del (p.Glu1378fs)

Gene: DUOX2 (dual oxidase 2; minus strand). Cytogenetic location: 15q21.1.
Variant type: Deletion.
Coding change: c.4133_4146del on transcript NM_001363711.2 (MANE Select); coding-DNA positions 4133 to 4146, 14 bases deleted (AGGTGTCAGTGTTG).
Protein change: p.Glu1378fs; shifts the reading frame from glutamic acid 1378.
Molecular consequence: frameshift variant.
Genome position (GRCh38, 1-based): chr15:45,095,530-45,095,543, CAACACTGACACCT deleted on the plus strand (AGGTGTCAGTGTTG on the coding strand, the reverse complement: DUOX2 is on the minus strand); deleting any 14 consecutive bases within chr15:45,095,530-45,095,546 gives the same sequence; the c. name uses the placement nearest the transcript's 3' end. VCF-style (leftmost placement, unchanged base first): chr15-45095529-CCAACACTGACACCT-C. GRCh37 (hg19) VCF-style: chr15-45387727-CCAACACTGACACCT-C.
Other names: c.4133_4146del, p.Glu1378fs (NM_014080.5); short protein forms E1378fs.
Identifiers: ClinVar variation 3618727 (VCV003618727.2).